The following is an entry in ClinVar:

ClinVar aggregate classification (germline): Uncertain significance. Review status: criteria provided, multiple submitters, no conflicts (2 of 4 stars). 2 submissions from 2 submitters: Uncertain significance (2). Last evaluated 2023-11-06.

Conditions:
Hereditary cancer-predisposing syndrome. Also called: Hereditary Cancer Syndrome; Neoplastic Syndromes, Hereditary; Tumor predisposition; Hereditary neoplastic syndrome. Identifiers: Orphanet 140162, MedGen C0027672, MeSH D009386, MONDO:0015356.

Allele frequency attached by ClinVar (database versions not stated): gnomAD exomes below 0.00001.

Submissions (2):

Color Diagnostics, LLC DBA Color Health
Classification: Uncertain significance for Hereditary cancer-predisposing syndrome. Last evaluated: 2023-11-06. Review status: criteria provided, single submitter. Criteria: ACMG Guidelines, 2015. Collection method: clinical testing. Allele origin: germline.
Comment: This missense variant replaces serine with asparagine at codon 955 of the PALB2 protein. Computational prediction suggests that this variant may not impact protein structure and function (internally defined REVEL score threshold <= 0.5, PMID: 27666373). To our knowledge, functional studies have not been reported for this variant. This variant has not been reported in individuals affected with PALB2-related disorders in the literature. This variant has not been identified in the general population by the Genome Aggregation Database (gnomAD). The available evidence is insufficient to determine the role of this variant in disease conclusively. Therefore, this variant is classified as a Variant of Uncertain Significance.

Ambry Genetics
Classification: Uncertain significance for Hereditary cancer-predisposing syndrome. Last evaluated: 2017-03-31. Review status: criteria provided, single submitter. Criteria: Ambry Variant Classification Scheme 2023. Collection method: clinical testing. Allele origin: germline.
Comment: The p.S955N variant (also known as c.2864G>A), located in coding exon 9 of the PALB2 gene, results from a G to A substitution at nucleotide position 2864. The serine at codon 955 is replaced by asparagine, an amino acid with highly similar properties. This amino acid position is poorly conserved in available vertebrate species. In addition, this alteration is predicted to be tolerated by in silico analysis. Since supporting evidence is limited at this time, the clinical significance of this alteration remains unclear.

NM_024675.4(PALB2):c.2864G>A (p.Ser955Asn)

Gene: PALB2 (partner and localizer of BRCA2; minus strand). Cytogenetic location: 16p12.2.
Variant type: single nucleotide variant.
Coding change: c.2864G>A on transcript NM_024675.4 (MANE Select); coding-DNA position 2864, G replaced by A.
Protein change: p.Ser955Asn; replaces serine 955 with asparagine.
Molecular consequence: missense variant.
Genome position (GRCh38, 1-based): chr16:23,623,101, C>T on the plus strand (G>A on the coding strand, the complement: PALB2 is on the minus strand). VCF-style: chr16-23623101-C-T. GRCh37 (hg19) VCF-style: chr16-23634422-C-T.
Other names: short protein forms S955N.
Identifiers: ClinVar variation 480286 (VCV000480286.7), dbSNP rs1555459580, ClinGen allele CA395144424.